The following is an entry in ClinVar:

ClinVar aggregate classification (germline): Likely benign. Review status: criteria provided, multiple submitters, no conflicts (2 of 4 stars). 4 submissions from 4 submitters: Likely benign (2). 2 of the submissions do not count toward it. Last evaluated 2026-01-26.

Conditions:
Usher syndrome type 1B (USH1B). Also called: Usher syndrome type IB. Identifiers: MedGen C1848638, MONDO:0700087.
MYO7A-related disorder. Also called: MYO7A-related disorders.

Allele frequency attached by ClinVar (database versions not stated): TOPMed 0.00001; gnomAD exomes 0.00004 and 0.00008; ExAC 0.00011.
gnomAD v4.1: 56 of 1,549,422 alleles (0.0036%); highest among the groups gnomAD compares: South Asian, 0.046%; no homozygotes.

Submissions (4):

Labcorp Genetics (formerly Invitae), Labcorp
Classification: Likely benign. Last evaluated: 2026-01-26. Review status: criteria provided, single submitter. Criteria: Invitae Variant Classification Sherloc (09022015). Collection method: clinical testing. Allele origin: germline.

Blueprint Genetics
Classification: Likely benign. Last evaluated: 2022-03-09. Review status: criteria provided, single submitter. Criteria: ACMG Guidelines, 2015. Collection method: clinical testing. Allele origin: germline.

PreventionGenetics, part of Exact Sciences
Classification: Uncertain significance for MYO7A-related condition. Last evaluated: 2024-06-11. Review status: no assertion criteria provided. Collection method: clinical testing. Allele origin: germline. Not counted in ClinVar's aggregate classification.
Comment: The MYO7A c.3924+8C>T variant is predicted to interfere with splicing. This variant is not predicted to impact splicing (Alamut Visual Plus v1.6.1). This variant has been reported in an individual with microcephaly, seizures, and developmental delay (individual G001294 in Table S2, Sanchis-Juan et al 2023. PubMed ID: 37541188). Another nucleotide substitution at this position has been reported in an individual with hearing loss (Table S2, Ma et al. 2023. PubMed ID: 36597107). This variant is reported in 0.053% of alleles in individuals of South Asian descent in gnomAD. At this time, the clinical significance of this variant is uncertain due to the absence of conclusive functional and genetic evidence.

Natera, Inc.
Classification: Uncertain significance for Usher syndrome type 1B. Last evaluated: 2020-04-16. Review status: no assertion criteria provided. Collection method: clinical testing. Allele origin: germline. Not counted in ClinVar's aggregate classification.

NM_000260.4(MYO7A):c.3924+8C>T

Gene: MYO7A (myosin VIIA; plus strand). Cytogenetic location: 11q13.5.
Variant type: single nucleotide variant.
Coding change: c.3924+8C>T on transcript NM_000260.4 (MANE Select); 8 bases into the intron after coding-DNA position 3924, C replaced by T.
Molecular consequence: intron variant.
Genome position (GRCh38, 1-based): chr11:77,190,878, C>T. VCF-style: chr11-77190878-C-T. GRCh37 (hg19) VCF-style: chr11-76901923-C-T.
Other names: c.3891+8C>T (NM_001369365.1); c.3924+8C>T (NM_001127180.2).
Identifiers: ClinVar variation 792520 (VCV000792520.14), dbSNP rs565801140, ClinGen allele CA6198236.